The following is an entry in ClinVar:

NM_001003722.2(GLE1):c.2006T>A (p.Ile669Lys)

Genes: GLE1 (GLE1 RNA export mediator; plus strand), LOC101929270 (uncharacterized LOC101929270; minus strand). Cytogenetic location: 9q34.11.
Variant type: single nucleotide variant.
Coding change: c.2006T>A on transcript NM_001003722.2 (MANE Select); coding-DNA position 2006, T replaced by A.
Protein change: p.Ile669Lys; replaces isoleucine 669 with lysine.
Molecular consequence: missense variant.
Genome position (GRCh38, 1-based): chr9:128,540,316, T>A. VCF-style: chr9-128540316-T-A. GRCh37 (hg19) VCF-style: chr9-131302595-T-A.
Other names: c.2033T>A, p.Ile678Lys (NM_001411013.1); short protein forms I669K, I678K.
Identifiers: ClinVar variation 2577332 (VCV002577332.1), dbSNP rs180872962, ClinGen allele CA5264029.
Genomic context (GRCh38, chr9:128,540,316, plus strand): 5'-TGTCTTTCTCTCCCTGTAGAATTGAAGCTATCACAAGCTCAGGACAGATGGGCTCCTTCA[T>A]ACGCCTCAAGCAGTTCTTGGAGGTAAGATGCCCTTAGACCAACATGCCCCACACTGTTGT-3'
Protein context (NP_001003722.1, residues 659-679): ITSSGQMGSF[Ile669Lys]RLKQFLEKCL

ClinVar aggregate classification (germline): Uncertain significance (1 of 4 stars; one submission).

gnomAD v4.1: 49 of 1,610,096 alleles (0.003%); highest among the groups gnomAD compares: Non-Finnish European, 0.0035%; no homozygotes.

Submission:

Women's Health and Genetics/Laboratory Corporation of America, LabCorp
Classification: Uncertain significance. Last evaluated: 2023-07-25. Review status: criteria provided, single submitter. Criteria: LabCorp Variant Classification Summary - May 2015. Collection method: clinical testing. Allele origin: germline.
Comment: Variant summary: GLE1 c.2006T>A (p.Ile669Lys) results in a non-conservative amino acid change in the encoded protein sequence. Three of five in-silico tools predict a damaging effect of the variant on protein function. The variant allele was found at a frequency of 1.6e-05 in 251412 control chromosomes (gnomAD). The available data on variant occurrences in the general population are insufficient to allow any conclusion about variant significance. c.2006T>A has been reported in the literature in at least one compound heterozygous individual affected with Congenital Arthrogryposis with Anterior Horn Cell Disease (Yates_2020). These data do not allow any conclusion about variant significance. To our knowledge, no experimental evidence demonstrating an impact on protein function has been reported. The following publication has been ascertained in the context of this evaluation (PMID: 32954510). No submitters have cited clinical-significance assessments for this variant to ClinVar after 2014. Based on the evidence outlined above, the variant was classified as uncertain significance.

Literature cited by the submitters: PubMed 32954510.